The following is an entry in ClinVar:

NM_001281775.3(ZMYND8):c.2985G>T (p.Gln995His)

Gene: ZMYND8 (zinc finger MYND-type containing 8; minus strand). Cytogenetic location: 20q13.12.
Variant type: single nucleotide variant.
Coding change: c.2985G>T on transcript NM_001281775.3 (MANE Select); coding-DNA position 2985, G replaced by T.
Protein change: p.Gln995His; replaces glutamine 995 with histidine.
Molecular consequence: missense variant.
Genome position (GRCh38, 1-based): chr20:47,227,234, C>A on the plus strand (G>T on the coding strand, the complement: ZMYND8 is on the minus strand). VCF-style: chr20-47227234-C-A. GRCh37 (hg19) VCF-style: chr20-45855977-C-A.
Other names: c.2529G>T, p.Gln843His (NM_001281771.3); c.2925G>T, p.Gln975His (NM_001281772.3, NM_001281773.3, NM_001363741.2); c.2787G>T, p.Gln929His (NM_001281774.3); c.2604G>T, p.Gln868His (NM_001281776.3); c.2772G>T, p.Gln924His (NM_001281777.3, NM_183048.4); c.2910G>T, p.Gln970His (NM_001281778.3); c.2043G>T, p.Gln681His (NM_001281779.3, NM_001281780.3); c.2631G>T, p.Gln877His (NM_001281781.3); and 5 more; short protein forms Q681H, Q897H, Q923H, Q1002H, Q843H, Q929H, Q949H, Q868H.
Identifiers: ClinVar variation 4994062 (VCV004994062.1).

ClinVar aggregate classification (germline): Uncertain significance (1 of 4 stars; one submission).

Conditions:
ZMYND8-related disorder. Also called: ZMYND8-related condition.

gnomAD v4.1: 1 of 1,614,198 alleles (0.000062%); no homozygotes.

Submission:

PreventionGenetics, part of Exact Sciences
Classification: Uncertain significance for ZMYND8-related condition. Last evaluated: 2026-01-27. Review status: criteria provided, single submitter. Criteria: ACMG Guidelines, 2015. Collection method: clinical testing. Allele origin: germline.
Comment: The ZMYND8 c.3006G>T variant is predicted to result in the amino acid substitution p.Gln1002His. To our knowledge, this variant has not been reported in the literature or in a large population database (gnomAD), indicating this variant is rare. At this time, the clinical significance of this variant is uncertain due to the absence of conclusive functional and genetic evidence.